The following is an entry in ClinVar:

NM_000286.3(PEX12):c.939T>A (p.Asn313Lys)

Gene: PEX12 (peroxisomal biogenesis factor 12; minus strand). Cytogenetic location: 17q12.
Variant type: single nucleotide variant.
Coding change: c.939T>A on transcript NM_000286.3 (MANE Select); coding-DNA position 939, T replaced by A.
Protein change: p.Asn313Lys; replaces asparagine 313 with lysine.
Molecular consequence: missense variant.
Genome position (GRCh38, 1-based): chr17:35,575,923, A>T on the plus strand (T>A on the coding strand, the complement: PEX12 is on the minus strand). VCF-style: chr17-35575923-A-T. GRCh37 (hg19) VCF-style: chr17-33902942-A-T.
Other names: short protein forms N313K.
Identifiers: ClinVar variation 1931688 (VCV001931688.5), dbSNP rs2509167824, ClinGen allele CA399137060.

ClinVar aggregate classification (germline): Uncertain significance (1 of 4 stars; one submission).

Conditions:
Peroxisome biogenesis disorder 3A (Zellweger). Also called: Peroxisome biogenesis disorder 3A; PEROXISOMAL BIOGENESIS DISORDER 3A (ZELLWEGER). Identifiers: Orphanet 912, MedGen C3553929, MONDO:0013927, OMIM 614859.

Submission:

Labcorp Genetics (formerly Invitae), Labcorp
Classification: Uncertain significance for Peroxisome biogenesis disorder 3A (Zellweger). Last evaluated: 2022-03-19. Review status: criteria provided, single submitter. Criteria: Invitae Variant Classification Sherloc (09022015). Collection method: clinical testing. Allele origin: germline.
Comment: In summary, the available evidence is currently insufficient to determine the role of this variant in disease. Therefore, it has been classified as a Variant of Uncertain Significance. Algorithms developed to predict the effect of missense changes on protein structure and function are either unavailable or do not agree on the potential impact of this missense change (SIFT: "Deleterious"; PolyPhen-2: "Probably Damaging"; Align-GVGD: "Class C15"). This variant has not been reported in the literature in individuals affected with PEX12-related conditions. This variant is not present in population databases (gnomAD no frequency). This sequence change replaces asparagine, which is neutral and polar, with lysine, which is basic and polar, at codon 313 of the PEX12 protein (p.Asn313Lys).